The following is an entry in ClinVar:

ClinVar aggregate classification (germline): Uncertain significance (1 of 4 stars; one submission).

Conditions:
Sterile multifocal osteomyelitis with periostitis and pustulosis. Also called: CHRONIC RECURRENT MULTIFOCAL OSTEOMYELITIS 2, WITH PERIOSTITIS AND PUSTULOSIS. Identifiers: Orphanet 210115, MedGen C2748507, MONDO:0013021, OMIM 612852.

Allele frequency attached by ClinVar (database versions not stated): gnomAD exomes below 0.00001 and 0.00002; gnomAD 0.00001; ExAC 0.00003; 1000 Genomes Project 30x 0.00031; 1000 Genomes Project 0.00040.
gnomAD v4.1: 8 of 1,614,234 alleles (0.0005%); highest among the groups gnomAD compares: East Asian, 0.0067%; no homozygotes.

Submission:

Labcorp Genetics (formerly Invitae), Labcorp
Classification: Uncertain significance for Sterile multifocal osteomyelitis with periostitis and pustulosis. Last evaluated: 2024-01-08. Review status: criteria provided, single submitter. Criteria: Invitae Variant Classification Sherloc (09022015). Collection method: clinical testing. Allele origin: germline.
Comment: This sequence change replaces arginine, which is basic and polar, with cysteine, which is neutral and slightly polar, at codon 125 of the IL1RN protein (p.Arg125Cys). This variant is present in population databases (rs114004306, gnomAD 0.006%). This variant has not been reported in the literature in individuals affected with IL1RN-related conditions. ClinVar contains an entry for this variant (Variation ID: 1418682). An algorithm developed to predict the effect of missense changes on protein structure and function (PolyPhen-2) suggests that this variant is likely to be disruptive. In summary, the available evidence is currently insufficient to determine the role of this variant in disease. Therefore, it has been classified as a Variant of Uncertain Significance.

NM_173842.3(IL1RN):c.364C>T (p.Arg122Cys)

Gene: IL1RN (interleukin 1 receptor antagonist; plus strand). Cytogenetic location: 2q14.1.
Variant type: single nucleotide variant.
Coding change: c.364C>T on transcript NM_173842.3 (MANE Select); coding-DNA position 364, C replaced by T.
Protein change: p.Arg122Cys; replaces arginine 122 with cysteine.
Molecular consequence: missense variant.
Genome position (GRCh38, 1-based): chr2:113,132,701, C>T. VCF-style: chr2-113132701-C-T. GRCh37 (hg19) VCF-style: chr2-113890278-C-T.
Other names: c.310C>T, p.Arg104Cys (NM_000577.5); c.262C>T, p.Arg88Cys (NM_001318914.2, NM_001379360.1, NM_173843.3); c.373C>T, p.Arg125Cys (NM_173841.3); short protein forms R122C, R104C, R125C, R88C.
Identifiers: ClinVar variation 1418682 (VCV001418682.5), dbSNP rs114004306, ClinGen allele CA1838882.
Genomic context (GRCh38, chr2:113,132,701, plus strand): 5'-TCTTTTGATTTCCAGGCAGTTAACATCACTGACCTGAGCGAGAACAGAAAGCAGGACAAG[C>T]GCTTCGCCTTCATCCGCTCAGACAGTGGCCCCACCACCAGTTTTGAGTCTGCCGCCTGCC-3'
Protein context (NP_776214.1, residues 112-132): DLSENRKQDK[Arg122Cys]FAFIRSDSGP